The following is an entry in ClinVar:

NM_014251.3(SLC25A13):c.580G>A (p.Val194Ile)

Gene: SLC25A13 (solute carrier family 25 member 13; minus strand). Cytogenetic location: 7q21.3.
Variant type: single nucleotide variant.
Coding change: c.580G>A on transcript NM_014251.3 (MANE Select); coding-DNA position 580, G replaced by A.
Protein change: p.Val194Ile; replaces valine 194 with isoleucine.
Molecular consequence: missense variant. On other transcripts: non-coding transcript variant (1).
Genome position (GRCh38, 1-based): chr7:96,193,072, C>T on the plus strand (G>A on the coding strand, the complement: SLC25A13 is on the minus strand). VCF-style: chr7-96193072-C-T. GRCh37 (hg19) VCF-style: chr7-95822384-C-T.
Other names: c.580G>A, p.Val194Ile (NM_001160210.2); short protein forms V194I.
Identifiers: ClinVar variation 2143793 (VCV002143793.1), dbSNP rs369939105, ClinGen allele CA4353221.
Genomic context (GRCh38, chr7:96,193,072, plus strand): 5'-TTCATTAGGGCAAGTTACAACTTACAGCTACTAGACATTCTTCTACAAAAGGAGTCAAGA[C>T]ATGGGGGCGGATGGTGACCATGATGTCTCGGAAGTCGATGGCTGTGACTCTCCCAGTCCT-3'
Protein context (NP_055066.1, residues 184-204): RDIMVTIRPH[Val194Ile]LTPFVEECLV

ClinVar aggregate classification (germline): Uncertain significance (1 of 4 stars; one submission).

Conditions:
Citrin deficiency. Identifiers: Orphanet 247582, MedGen C1997910, MONDO:0016602.

Allele frequency attached by ClinVar (database versions not stated): ExAC 0.00001; gnomAD exomes 0.00001; TOPMed 0.00001; gnomAD 0.00003; ESP Exome Variant Server 0.00008.
gnomAD v4.1: 18 of 1,613,896 alleles (0.0011%); highest among the groups gnomAD compares: African/African-American, 0.0027%; no homozygotes.

Submission:

Labcorp Genetics (formerly Invitae), Labcorp
Classification: Uncertain significance for Citrin deficiency. Last evaluated: 2022-03-26. Review status: criteria provided, single submitter. Criteria: Invitae Variant Classification Sherloc (09022015). Collection method: clinical testing. Allele origin: germline.
Comment: This sequence change replaces valine, which is neutral and non-polar, with isoleucine, which is neutral and non-polar, at codon 194 of the SLC25A13 protein (p.Val194Ile). This variant is present in population databases (rs369939105, gnomAD 0.004%). This variant has not been reported in the literature in individuals affected with SLC25A13-related conditions. Advanced modeling of protein sequence and biophysical properties (such as structural, functional, and spatial information, amino acid conservation, physicochemical variation, residue mobility, and thermodynamic stability) performed at Invitae indicates that this missense variant is not expected to disrupt SLC25A13 protein function. In summary, the available evidence is currently insufficient to determine the role of this variant in disease. Therefore, it has been classified as a Variant of Uncertain Significance.